The following is an entry in ClinVar:

ClinVar aggregate classification (germline): Likely pathogenic. Review status: reviewed by expert panel (3 of 4 stars). 2 submissions from 2 submitters: Likely pathogenic (1). 1 of the submissions does not count toward it. Last evaluated 2024-12-17.

Conditions:
Glanzmann thrombasthenia. Also called: PLATELET GLYCOPROTEIN IIb-IIIa DEFICIENCY; BLEEDING DISORDER, PLATELET-TYPE, 2; THROMBASTHENIA OF GLANZMANN AND NAEGELI; Thrombasthenia; Glanzmann's thrombasthenia. Identifiers: Orphanet 849, MedGen C0040015, MONDO:0100326.

Submissions (2):

ClinGen Platelet Disorders Variant Curation Expert Panel, ClinGen
Classification: Likely pathogenic for Glanzmann thrombasthenia. Last evaluated: 2024-12-17. Review status: reviewed by expert panel. Criteria: ClinGen Platelet ACMG Specifications v2-1. Collection method: curation. Allele origin: germline. Inheritance: Autosomal recessive inheritance.
Comment: The NM_000419.5(ITGA2B):c.3091del variant causes a frameshift and subsequent stop loss, Leu1031TrpfsTer97. This results in the addition of 90 amino acids to the ITGA2B protein, beyond the cytoplasmic domain (PM4). This variant is absent from gnomAD v4.1 (PM2_Supporting). At least one patient (Patient GT10 in PMID:25373348) with this variant displayed mucocutaneous bleeding and impaired aggregation with all agonists except ristocetin, which is highly specific for Glanzmann thrombasthenia. Additionally, αIIbβ3 surface expression was severely reduced, as measured by flow cytometry (PP4_strong). GT10 of PMID: 25373348 is compound heterozygous for the paternal c.1210+105A>G (classified Likely Pathogenic by the PD-EP) and the maternal c.3091delC variants (PM3). In summary this variant meets criteria to be classified as Likely Pathogenic for autosomal recessive Glanzmann Thrombasthenia based on the ACMG/AMP criteria applied, as specified by the ClinGen PD VCEP: PP4_strong, PM2_supporting, PM3, PM4. (VCEP specifications version 2)

Labcorp Genetics (formerly Invitae), Labcorp
Classification: Uncertain significance for Glanzmann thrombasthenia. Last evaluated: 2025-06-12. Review status: criteria provided, single submitter. Criteria: Invitae Variant Classification Sherloc (09022015). Collection method: clinical testing. Allele origin: germline. Not counted in ClinVar's aggregate classification.
Comment: This sequence change is expected to alter the c-terminus of the ITGA2B protein (p.Leu1031Trpfs*). While this is not anticipated to result in nonsense mediated decay, it is expected to disrupt the last 9 amino acid(s) of the ITGA2B protein and extend the protein by an uncertain number of additional amino acid residues. This variant is not present in population databases (gnomAD no frequency). This frameshift has been observed in individual(s) with Glanzmann thrombasthenia (PMID: 25373348). ClinVar contains an entry for this variant (Variation ID: 1879040). In summary, the available evidence is currently insufficient to determine the role of this variant in disease. Therefore, it has been classified as a Variant of Uncertain Significance.

Literature cited by the submitters: PubMed 25373348 (cited by Labcorp Genetics (formerly Invitae), Labcorp).

NM_000419.5(ITGA2B):c.3091del (p.Leu1031fs)

Gene: ITGA2B (integrin subunit alpha 2b; minus strand). Cytogenetic location: 17q21.31.
Variant type: Deletion.
Coding change: c.3091del on transcript NM_000419.5 (MANE Select); coding-DNA position 3091, one base deleted (C; older notation c.3091delC).
Protein change: p.Leu1031fs; shifts the reading frame from leucine 1031.
Molecular consequence: frameshift variant.
Genome position (GRCh38, 1-based): chr17:44,372,393, G deleted on the plus strand (C on the coding strand, the reverse complement: ITGA2B is on the minus strand); the first of 4 consecutive G bases (chr17:44,372,393-44,372,396); deleting any one gives the same sequence. VCF-style (leftmost placement, unchanged base first): chr17-44372392-AG-A. GRCh37 (hg19) VCF-style: chr17-42449760-AG-A.
Other names: NM_000419.5:c.3091del; short protein forms L1031fs.
Identifiers: ClinVar variation 1879040 (VCV001879040.3), dbSNP rs2510070728, ClinGen allele CA915940322.